The following is an entry in ClinVar:

ClinVar aggregate classification (germline): Uncertain significance (1 of 4 stars; one submission).

Allele frequency attached by ClinVar (database versions not stated): TOPMed below 0.00001.
gnomAD v4.1: 2 of 1,614,200 alleles (0.00012%); highest among the groups gnomAD compares: Non-Finnish European, 0.000085%; no homozygotes.

Submission:

Labcorp Genetics (formerly Invitae), Labcorp
Classification: Uncertain significance. Last evaluated: 2022-09-08. Review status: criteria provided, single submitter. Criteria: Invitae Variant Classification Sherloc (09022015). Collection method: clinical testing. Allele origin: germline.
Comment: This sequence change replaces proline, which is neutral and non-polar, with serine, which is neutral and polar, at codon 1806 of the KMT2E protein (p.Pro1806Ser). This variant is not present in population databases (gnomAD no frequency). This variant has not been reported in the literature in individuals affected with KMT2E-related conditions. Algorithms developed to predict the effect of missense changes on protein structure and function are either unavailable or do not agree on the potential impact of this missense change (SIFT: "Tolerated"; PolyPhen-2: "Possibly Damaging"; Align-GVGD: "Class C0"). This variant disrupts the p.Pro1806 amino acid residue in KMT2E. Other variant(s) that disrupt this residue have been determined to be pathogenic (PMID: 33681112). This suggests that this residue is clinically significant, and that variants that disrupt this residue are likely to be disease-causing. In summary, the available evidence is currently insufficient to determine the role of this variant in disease. Therefore, it has been classified as a Variant of Uncertain Significance.

Literature cited by the submitters: PubMed 33681112.

NM_182931.3(KMT2E):c.5416C>T (p.Pro1806Ser)

Gene: KMT2E (lysine methyltransferase 2E (inactive); plus strand). Cytogenetic location: 7q22.3.
Variant type: single nucleotide variant.
Coding change: c.5416C>T on transcript NM_182931.3 (MANE Select); coding-DNA position 5416, C replaced by T.
Protein change: p.Pro1806Ser; replaces proline 1806 with serine.
Molecular consequence: missense variant.
Genome position (GRCh38, 1-based): chr7:105,113,172, C>T. VCF-style: chr7-105113172-C-T. GRCh37 (hg19) VCF-style: chr7-104753619-C-T.
Other names: c.5290C>T, p.Pro1764Ser (NM_001410908.1); c.5416C>T, p.Pro1806Ser (NM_018682.4); short protein forms P1764S, P1806S.
Identifiers: ClinVar variation 1973850 (VCV001973850.5), dbSNP rs751090892, ClinGen allele CA368795148.